The following is an entry in ClinVar:

NM_030770.4(TMPRSS5):c.117A>G (p.Ala39=)

Gene: TMPRSS5 (transmembrane serine protease 5; minus strand). Cytogenetic location: 11q23.2.
Variant type: single nucleotide variant.
Coding change: c.117A>G on transcript NM_030770.4 (MANE Select); coding-DNA position 117, A replaced by G.
Protein change: p.Ala39=; no amino-acid change (alanine 39 retained).
Molecular consequence: synonymous variant. On other transcripts: 5 prime UTR variant (2).
Genome position (GRCh38, 1-based): chr11:113,699,683, T>C on the plus strand (A>G on the coding strand, the complement: TMPRSS5 is on the minus strand). VCF-style: chr11-113699683-T-C. GRCh37 (hg19) VCF-style: chr11-113570405-T-C.
Other names: NC_000011.9:g.113570405T>C; c.-16A>G (NM_001288749.2, NM_001288750.2); c.90A>G, p.Ala30= (NM_001288751.2); c.117A>G, p.Ala39= (NM_001288752.2).
Identifiers: ClinVar variation 508107 (VCV000508107.3), dbSNP rs4936280, ClinGen allele CA6281921.

ClinVar aggregate classification (germline): Benign. Review status: criteria provided, multiple submitters, no conflicts (2 of 4 stars). 2 submissions from 2 submitters: Benign (2). Last evaluated 2017-05-09.

Allele frequency attached by ClinVar (database versions not stated): 1000 Genomes Project 0.77077; 1000 Genomes Project 30x 0.77608; ExAC 0.73157; gnomAD 0.74070 and 0.74261; ESP Exome Variant Server 0.74213; TOPMed 0.75254.
gnomAD v4.1: 1,046,203 of 1,570,950 alleles (67%); highest among the groups gnomAD compares: African/African-American, 93%; 352,526 homozygotes.

Submissions (5):

GeneDx
Classification: Benign. Last evaluated: 2017-05-09. Review status: criteria provided, single submitter. Criteria: GeneDx Variant Classification (06012015). Collection method: clinical testing. Allele origin: germline. Affected: yes.
Comment: This variant is considered likely benign or benign based on one or more of the following criteria: it is a conservative change, it occurs at a poorly conserved position in the protein, it is predicted to be benign by multiple in silico algorithms, and/or has population frequency not consistent with disease.

Breakthrough Genomics
Classification: Benign. Review status: criteria provided, single submitter. Criteria: ACMG Guidelines, 2015. Collection method: not provided. Allele origin: germline. Inheritance: Unknown mechanism. Affected: yes.

Dr. Peter K. Rogan Lab, Western University
No classification provided (evidence only). Condition: Uveal melanoma. Review status: no classification provided. Collection method: in vitro. Allele origin: not applicable. Functional consequence: skipped exon. Not counted in ClinVar's aggregate classification.

Dr. Peter K. Rogan Lab, Western University
No classification provided (evidence only). Condition: Uveal melanoma. Review status: no classification provided. Collection method: in vitro. Allele origin: not applicable. Functional consequence: skipped exon. Not counted in ClinVar's aggregate classification.

Dr. Peter K. Rogan Lab, Western University
No classification provided (evidence only). Condition: Uveal melanoma. Review status: no classification provided. Collection method: in vitro. Allele origin: not applicable. Functional consequence: skipped exon. Not counted in ClinVar's aggregate classification.